The following is an entry in ClinVar:

NM_005732.4(RAD50):c.3752+7A>G

Genes: RAD50 (RAD50 double strand break repair protein; plus strand), TH2-LCR (Th2 cytokine locus control region; plus strand), TH2LCRR (T helper type 2 locus control region associated RNA; minus strand). Cytogenetic location: 5q31.1.
Variant type: single nucleotide variant.
Coding change: c.3752+7A>G on transcript NM_005732.4 (MANE Select); 7 bases into the intron after coding-DNA position 3752, A replaced by G.
Molecular consequence: intron variant.
Genome position (GRCh38, 1-based): chr5:132,640,812, A>G. VCF-style: chr5-132640812-A-G. GRCh37 (hg19) VCF-style: chr5-131976504-A-G.
Identifiers: ClinVar variation 215861 (VCV000215861.18), dbSNP rs375301575, ClinGen allele CA337949.
Genomic context (GRCh38, chr5:132,640,812, plus strand): 5'-AACAACAAATCTTGACCGAGAAAACATTGAATCTCTTGCACATGCTCTGGTTGAGTAAGT[A>G]TCTCTTGCACATGCTCTGGTTGAGTAAGTATCTCACATTTGGGGACAGGTTGTGATAGTT-3'

ClinVar aggregate classification (germline): Conflicting classifications of pathogenicity. Review status: criteria provided, conflicting classifications (1 of 4 stars). 3 submissions from 3 submitters: Uncertain significance (1); Likely benign (1). 1 of the submissions does not count toward it. Last evaluated 2025-12-01.

Conditions:
RAD50-related disorder. Also called: RAD50-related condition.
Hereditary cancer-predisposing syndrome. Also called: Tumor predisposition; Neoplastic Syndromes, Hereditary; Hereditary Cancer Syndrome; Hereditary neoplastic syndrome. Identifiers: Orphanet 140162, MedGen C0027672, MeSH D009386, MONDO:0015356.

Allele frequency attached by ClinVar (database versions not stated): ExAC 0.00002; gnomAD exomes 0.00002; gnomAD 0.00006; TOPMed 0.00012; ESP Exome Variant Server 0.00015.
gnomAD v4.1: 43 of 1,613,876 alleles (0.0027%); highest among the groups gnomAD compares: Middle Eastern, 0.033%; no homozygotes.

Submissions (3):

CeGaT Center for Human Genetics Tuebingen
Classification: Uncertain significance. Last evaluated: 2025-12-01. Review status: criteria provided, single submitter. Criteria: CeGaT Center For Human Genetics Tuebingen Variant Classification Criteria Version 2. Collection method: clinical testing. Allele origin: germline. Affected: yes. Observed: 1 variant allele.
Comment: RAD50: PM2, BP4

Labcorp Genetics (formerly Invitae), Labcorp
Classification: Likely benign for Hereditary cancer-predisposing syndrome. Last evaluated: 2025-07-17. Review status: criteria provided, single submitter. Criteria: Invitae Variant Classification Sherloc (09022015). Collection method: clinical testing. Allele origin: germline.

PreventionGenetics, part of Exact Sciences
Classification: Likely benign for RAD50-related condition. Last evaluated: 2024-04-27. Review status: no assertion criteria provided. Collection method: clinical testing. Allele origin: germline. Not counted in ClinVar's aggregate classification.
Comment: This variant is classified as likely benign based on ACMG/AMP sequence variant interpretation guidelines (Richards et al. 2015 PMID: 25741868, with internal and published modifications).